The following is an entry in ClinVar:

ClinVar aggregate classification (germline): Uncertain significance (1 of 4 stars; one submission).

Submission:

Labcorp Genetics (formerly Invitae), Labcorp
Classification: Uncertain significance. Last evaluated: 2021-12-15. Review status: criteria provided, single submitter. Criteria: Invitae Variant Classification Sherloc (09022015). Collection method: clinical testing. Allele origin: germline.
Comment: In summary, the available evidence is currently insufficient to determine the role of this variant in disease. Therefore, it has been classified as a Variant of Uncertain Significance. Algorithms developed to predict the effect of missense changes on protein structure and function output the following: SIFT: "Deleterious"; PolyPhen-2: "Benign"; Align-GVGD: "Class C25". The arginine amino acid residue is found in multiple mammalian species, which suggests that this missense change does not adversely affect protein function. This variant has not been reported in the literature in individuals affected with OPN1SW-related conditions. This variant is not present in population databases (gnomAD no frequency). This sequence change replaces histidine, which is basic and polar, with arginine, which is basic and polar, at codon 27 of the OPN1SW protein (p.His27Arg).

NM_001385125.1(OPN1SW):c.71A>G (p.His24Arg)

Gene: OPN1SW (opsin 1, short wave sensitive; minus strand). Cytogenetic location: 7q32.1.
Variant type: single nucleotide variant.
Coding change: c.71A>G on transcript NM_001385125.1 (MANE Select); coding-DNA position 71, A replaced by G.
Protein change: p.His24Arg; replaces histidine 24 with arginine.
Molecular consequence: missense variant.
Genome position (GRCh38, 1-based): chr7:128,775,711, T>C on the plus strand (A>G on the coding strand, the complement: OPN1SW is on the minus strand). VCF-style: chr7-128775711-T-C. GRCh37 (hg19) VCF-style: chr7-128415765-T-C.
Other names: short protein forms H24R.
Identifiers: ClinVar variation 1478251 (VCV001478251.6), dbSNP rs2128886319, ClinGen allele CA369222865.